The following is an entry in ClinVar:

ClinVar aggregate classification (germline): Uncertain significance. Review status: criteria provided, multiple submitters, no conflicts (2 of 4 stars). 2 submissions from 2 submitters: Uncertain significance (2). Last evaluated 2025-08-08.

Conditions:
Inborn genetic diseases. Identifiers: MedGen C0950123, MeSH D030342.

Allele frequency attached by ClinVar (database versions not stated): ExAC 0.00002; gnomAD exomes 0.00002.
gnomAD v4.1: 33 of 1,612,610 alleles (0.002%); highest among the groups gnomAD compares: African/African-American, 0.008%; no homozygotes.

Submissions (2):

Ambry Genetics
Classification: Uncertain significance for Inborn genetic diseases. Last evaluated: 2025-08-08. Review status: criteria provided, single submitter. Criteria: Ambry Variant Classification Scheme 2023. Collection method: clinical testing. Allele origin: germline.

Labcorp Genetics (formerly Invitae), Labcorp
Classification: Uncertain significance. Last evaluated: 2022-03-12. Review status: criteria provided, single submitter. Criteria: Invitae Variant Classification Sherloc (09022015). Collection method: clinical testing. Allele origin: germline.
Comment: This sequence change replaces arginine, which is basic and polar, with histidine, which is basic and polar, at codon 89 of the HPS3 protein (p.Arg89His). This variant is present in population databases (rs768649317, gnomAD 0.01%). This variant has not been reported in the literature in individuals affected with HPS3-related conditions. Algorithms developed to predict the effect of missense changes on protein structure and function are either unavailable or do not agree on the potential impact of this missense change (SIFT: "Deleterious"; PolyPhen-2: "Probably Damaging"; Align-GVGD: "Class C0"). In summary, the available evidence is currently insufficient to determine the role of this variant in disease. Therefore, it has been classified as a Variant of Uncertain Significance.

NM_032383.5(HPS3):c.266G>A (p.Arg89His)

Gene: HPS3 (HPS3 biogenesis of lysosomal organelles complex 2 subunit 1; plus strand). Cytogenetic location: 3q24.
Variant type: single nucleotide variant.
Coding change: c.266G>A on transcript NM_032383.5 (MANE Select); coding-DNA position 266, G replaced by A.
Protein change: p.Arg89His; replaces arginine 89 with histidine.
Molecular consequence: missense variant. On other transcripts: intron variant (1).
Genome position (GRCh38, 1-based): chr3:149,140,052, G>A. VCF-style: chr3-149140052-G-A. GRCh37 (hg19) VCF-style: chr3-148857839-G-A.
Other names: c.218-965G>A (NM_001308258.2); c.266G>A (NM_032383.3); short protein forms R89H.
Identifiers: ClinVar variation 2188715 (VCV002188715.2), dbSNP rs768649317, ClinGen allele CA2659771.